The following is an entry in ClinVar:

NM_000093.5(COL5A1):c.610A>G (p.Ile204Val)

Gene: COL5A1 (collagen type V alpha 1 chain; plus strand). Cytogenetic location: 9q34.3.
Variant type: single nucleotide variant.
Coding change: c.610A>G on transcript NM_000093.5 (MANE Select); coding-DNA position 610, A replaced by G.
Protein change: p.Ile204Val; replaces isoleucine 204 with valine.
Molecular consequence: missense variant.
Genome position (GRCh38, 1-based): chr9:134,701,289, A>G. VCF-style: chr9-134701289-A-G. GRCh37 (hg19) VCF-style: chr9-137593135-A-G.
Other names: c.610A>G, p.Ile204Val (NM_001278074.1); c.610A>G (NM_000093.3); short protein forms I204V.
Identifiers: ClinVar variation 409090 (VCV000409090.11), dbSNP rs1060502245, ClinGen allele CA16612600.

ClinVar aggregate classification (germline): Conflicting classifications of pathogenicity. Review status: criteria provided, conflicting classifications (1 of 4 stars). 3 submissions from 3 submitters: Uncertain significance (1); Likely benign (1). 1 of the submissions does not count toward it. Last evaluated 2025-12-01.

Conditions:
Ehlers-Danlos syndrome, classic type, 1 (EDSCL1). Also called: EHLERS-DANLOS SYNDROME, GRAVIS TYPE; EHLERS-DANLOS SYNDROME, SEVERE CLASSIC TYPE; Ehlers-Danlos Syndrome, Classic Type, COL5A1-Related; EDS I; Ehlers-Danlos syndrome, type 1. Identifiers: MedGen C0268335, MONDO:0019567, OMIM 130000.
COL5A1-related disorder. Also called: COL5A1-related condition.
Familial thoracic aortic aneurysm and aortic dissection (TAAD). Also called: Thoracic aortic aneurysms and dissections. Identifiers: Orphanet 91387, MedGen C4707243, MONDO:0019625.

Allele frequency attached by ClinVar (database versions not stated): TOPMed below 0.00001; gnomAD 0.00001; gnomAD exomes 0.00001.
gnomAD v4.1: 17 of 1,613,842 alleles (0.0011%); highest among the groups gnomAD compares: Non-Finnish European, 0.0014%; no homozygotes.

Submissions (3):

Ambry Genetics
Classification: Uncertain significance for Familial thoracic aortic aneurysm and aortic dissection. Last evaluated: 2025-12-01. Review status: criteria provided, single submitter. Criteria: Ambry Variant Classification Scheme 2023. Collection method: clinical testing. Allele origin: germline.
Comment: The p.I204V variant (also known as c.610A>G), located in coding exon 4 of the COL5A1 gene, results from an A to G substitution at nucleotide position 610. The isoleucine at codon 204 is replaced by valine, an amino acid with highly similar properties. This amino acid position is highly conserved in available vertebrate species. In addition, this alteration is predicted to be tolerated by in silico analysis. Based on the available evidence, the clinical significance of this variant remains unclear.

Labcorp Genetics (formerly Invitae), Labcorp
Classification: Likely benign for Ehlers-Danlos syndrome, classic type, 1. Last evaluated: 2024-06-22. Review status: criteria provided, single submitter. Criteria: Invitae Variant Classification Sherloc (09022015). Collection method: clinical testing. Allele origin: germline.

PreventionGenetics, part of Exact Sciences
Classification: Uncertain significance for COL5A1-related condition. Last evaluated: 2024-01-11. Review status: no assertion criteria provided. Collection method: clinical testing. Allele origin: germline. Not counted in ClinVar's aggregate classification.
Comment: The COL5A1 c.610A>G variant is predicted to result in the amino acid substitution p.Ile204Val. To our knowledge, this variant has not been reported in the literature. This variant is reported in 0.0065% of alleles in individuals of European (Non-Finnish) descent in gnomAD. At this time, the clinical significance of this variant is uncertain due to the absence of conclusive functional and genetic evidence.